The following is an entry in ClinVar:

NM_001039591.3(USP9X):c.5524C>T (p.Pro1842Ser)

Gene: USP9X (ubiquitin specific peptidase 9 X-linked; plus strand). Cytogenetic location: Xp11.4.
Variant type: single nucleotide variant.
Coding change: c.5524C>T on transcript NM_001039591.3 (MANE Select); coding-DNA position 5524, C replaced by T.
Protein change: p.Pro1842Ser; replaces proline 1842 with serine.
Molecular consequence: missense variant.
Genome position (GRCh38, 1-based): chrX:41,216,091, C>T. VCF-style: chrX-41216091-C-T. GRCh37 (hg19) VCF-style: chrX-41075344-C-T.
Other names: c.5524C>T, p.Pro1842Ser (NM_001039590.3); short protein forms P1842S.
Identifiers: ClinVar variation 1334321 (VCV001334321.2), dbSNP rs1393936162, ClinGen allele CA412791330.

ClinVar aggregate classification (germline): Uncertain significance (1 of 4 stars; one submission).

Allele frequency attached by ClinVar (database versions not stated): gnomAD 0.00001; TOPMed 0.00001.
gnomAD v4.1: 13 of 1,209,468 alleles (0.0011%); highest among the groups gnomAD compares: Non-Finnish European, 0.0013%; no homozygotes.

Submission:

GeneDx
Classification: Uncertain significance. Last evaluated: 2022-01-07. Review status: criteria provided, single submitter. Criteria: GeneDx Variant Classification Process June 2021. Collection method: clinical testing. Allele origin: germline. Affected: yes.
Comment: Not observed at significant frequency in large population cohorts (gnomAD); In silico analysis supports that this missense variant does not alter protein structure/function; Has not been previously published as pathogenic or benign to our knowledge